The following is an entry in ClinVar:

ClinVar aggregate classification (germline): Pathogenic (1 of 4 stars; one submission).

Conditions:
Malignant tumor of breast. Also called: Malignant breast neoplasm; Cancer breast. Identifiers: MedGen C0006142, MONDO:0007254. Disease mechanism: loss of function.

Submission:

King Laboratory, University of Washington
Classification: Pathogenic for breast cancer. Last evaluated: 2020-09-01. Review status: criteria provided, single submitter. Criteria: ACMG Guidelines, 2015. Collection method: case-control. Allele origin: germline. Inheritance: Autosomal dominant inheritance. Affected: yes. Observed: 1 heterozygote.
Comment: Walsh T, Gulsuner S, Lee MK, Troester MA, Olshan AF, Earp HS, Perou CM, King M-C. Inherited predisposition to breast cancer in the Carolina Breast Cancer Study. NPJ Breast Cancer, accepted

NM_001330368.2(C11orf65):c.640+16147_640+22966del

Genes: ATM (ATM serine/threonine kinase; plus strand), C11orf65 (chromosome 11 open reading frame 65; minus strand). Cytogenetic location: 11q22.3.
Variant type: Deletion.
Coding change: c.640+16147_640+22966del on transcript NM_001330368.2; bases 16147 to 22966 of the intron after coding-DNA position 640, 6,820 bases deleted.
Molecular consequence: intron variant.
Genome position (GRCh38, 1-based): chr11:108,362,954-108,369,773, 6,820 bases deleted. GRCh37 (hg19): chr11:108,233,681-108,240,500.
Other names: c.694+16147_694+22966del (NM_001351110.2).
Identifiers: ClinVar variation 986731 (VCV000986731.6), ClinGen allele CA1139662285.